The following is an entry in ClinVar:

ClinVar aggregate classification (germline): Uncertain significance. Review status: criteria provided, single submitter (1 of 4 stars). 2 submissions from 2 submitters: Uncertain significance (1). 1 of the submissions does not count toward it. Last evaluated 2023-10-01.

Conditions:
Cerebellar dysfunction with variable cognitive and behavioral abnormalities (CECBA). Also called: Nonprogressive cerebellar atxia with intellectual disability. Identifiers: Orphanet 314647, MedGen C3553661, MONDO:0013886, OMIM 614756.

Allele frequency attached by ClinVar (database versions not stated): ExAC 0.00001.
gnomAD v4.1: 1 of 1,516,722 alleles (0.000066%); highest among the groups gnomAD compares: Non-Finnish European, 0.000088%; no homozygotes.

Submissions (2):

CeGaT Center for Human Genetics Tuebingen
Classification: Uncertain significance. Last evaluated: 2023-10-01. Review status: criteria provided, single submitter. Criteria: CeGaT Center For Human Genetics Tuebingen Variant Classification Criteria Version 2. Collection method: clinical testing. Allele origin: germline. Affected: yes. Observed: 1 variant allele.
Comment: CAMTA1: PM2

Zotz-Klimas Genetics Lab, MVZ Zotz Klimas
Classification: Uncertain significance for Cerebellar dysfunction with variable cognitive and behavioral abnormalities. Last evaluated: 2023-04-13. Review status: no assertion criteria provided. Collection method: clinical testing. Allele origin: germline. Affected: yes. Not counted in ClinVar's aggregate classification.

NM_015215.4(CAMTA1):c.2585G>C (p.Gly862Ala)

Gene: CAMTA1 (calmodulin binding transcription activator 1; plus strand). Cytogenetic location: 1p36.23.
Variant type: single nucleotide variant.
Coding change: c.2585G>C on transcript NM_015215.4 (MANE Select); coding-DNA position 2585, G replaced by C.
Protein change: p.Gly862Ala; replaces glycine 862 with alanine.
Molecular consequence: missense variant.
Genome position (GRCh38, 1-based): chr1:7,665,132, G>C. VCF-style: chr1-7665132-G-C. GRCh37 (hg19) VCF-style: chr1-7725192-G-C.
Other names: c.2495G>C, p.Gly832Ala (NM_001349608.2, NM_001349612.2); c.2585G>C, p.Gly862Ala (NM_001349609.2, NM_001349610.2, NM_001410737.1); c.2513G>C, p.Gly838Ala (NM_001410738.1); short protein forms G832A, G838A, G862A.
Identifiers: ClinVar variation 2498375 (VCV002498375.25), dbSNP rs752245532, ClinGen allele CA566673.